The following is an entry in ClinVar:

ClinVar aggregate classification (germline): Uncertain significance (1 of 4 stars; one submission).

Conditions:
BAZ1B-related disorder. Also called: BAZ1B-related condition.

Submission:

PreventionGenetics, part of Exact Sciences
Classification: Uncertain significance for BAZ1B-related condition. Last evaluated: 2023-02-15. Review status: criteria provided, single submitter. Criteria: ACMG Guidelines, 2015. Collection method: clinical testing. Allele origin: germline.
Comment: The BAZ1B c.4144C>T variant is predicted to result in the amino acid substitution p.His1382Tyr. To our knowledge, this variant has not been reported in the literature or in a large population database, indicating this variant is rare. At this time, the clinical significance of this variant is uncertain due to the absence of conclusive functional and genetic evidence.

NM_032408.4(BAZ1B):c.4144C>T (p.His1382Tyr)

Gene: BAZ1B (bromodomain adjacent to zinc finger domain 1B; minus strand). Cytogenetic location: 7q11.23.
Variant type: single nucleotide variant.
Coding change: c.4144C>T on transcript NM_032408.4 (MANE Select); coding-DNA position 4144, C replaced by T.
Protein change: p.His1382Tyr; replaces histidine 1382 with tyrosine.
Molecular consequence: missense variant.
Genome position (GRCh38, 1-based): chr7:73,442,504, G>A on the plus strand (C>T on the coding strand, the complement: BAZ1B is on the minus strand). VCF-style: chr7-73442504-G-A. GRCh37 (hg19) VCF-style: chr7-72856834-G-A.
Other names: c.4144C>T, p.His1382Tyr (NM_001370402.1); short protein forms H1382Y.
Identifiers: ClinVar variation 2630459 (VCV002630459.1), dbSNP rs781968138, ClinGen allele CA367787473.